The following is an entry in ClinVar:

NM_000631.5(NCF4):c.94A>G (p.Lys32Glu)

Genes: NCF4 (neutrophil cytosolic factor 4; plus strand), NCF4-AS1 (NCF4 antisense RNA 1; minus strand). Cytogenetic location: 22q12.3.
Variant type: single nucleotide variant.
Coding change: c.94A>G on transcript NM_000631.5 (MANE Select); coding-DNA position 94, A replaced by G.
Protein change: p.Lys32Glu; replaces lysine 32 with glutamic acid.
Molecular consequence: missense variant.
Genome position (GRCh38, 1-based): chr22:36,864,106, A>G. VCF-style: chr22-36864106-A-G. GRCh37 (hg19) VCF-style: chr22-37260148-A-G.
Other names: c.94A>G, p.Lys32Glu (NM_013416.4); short protein forms K32E.
Identifiers: ClinVar variation 1443388 (VCV001443388.6), dbSNP rs2145702819, ClinGen allele CA411377058.
Genomic context (GRCh38, chr22:36,864,106, plus strand): 5'-GACTTTGAACAGCTTCCGGATGATGTTGCCATCTCGGCCAACATTGCTGACATCGAGGAG[A>G]AGAGAGGCTTCACCAGCCACTTTGTAAGACAGACTCCTAGTCCTTCACCCAACAACCTCT-3'
Protein context (NP_000622.2, residues 22-42): ISANIADIEE[Lys32Glu]RGFTSHFVFV

ClinVar aggregate classification (germline): Uncertain significance (1 of 4 stars; one submission).

Conditions:
Granulomatous disease, chronic, autosomal recessive, cytochrome b-positive, type 3. Also called: GRANULOMATOUS DISEASE, CHRONIC, DUE TO NCF4 DEFICIENCY; Granulomatous disease, chronic, autosomal recessive, cytochrome b-positive, type III; GRANULOMATOUS DISEASE, CHRONIC, AUTOSOMAL RECESSIVE, 3; CGD, AUTOSOMAL RECESSIVE CYTOCHROME b-POSITIVE, TYPE III. Identifiers: Orphanet 379, MedGen C3151409, MONDO:0013507, OMIM 613960.

Submission:

Labcorp Genetics (formerly Invitae), Labcorp
Classification: Uncertain significance for Granulomatous disease, chronic, autosomal recessive, cytochrome b-positive, type 3. Last evaluated: 2021-11-16. Review status: criteria provided, single submitter. Criteria: Invitae Variant Classification Sherloc (09022015). Collection method: clinical testing. Allele origin: germline.
Comment: In summary, the available evidence is currently insufficient to determine the role of this variant in disease. Therefore, it has been classified as a Variant of Uncertain Significance. Algorithms developed to predict the effect of missense changes on protein structure and function are either unavailable or do not agree on the potential impact of this missense change (SIFT: "Deleterious"; PolyPhen-2: "Possibly Damaging"; Align-GVGD: "Class C0"). This variant has not been reported in the literature in individuals affected with NCF4-related conditions. This variant is not present in population databases (gnomAD no frequency). This sequence change replaces lysine, which is basic and polar, with glutamic acid, which is acidic and polar, at codon 32 of the NCF4 protein (p.Lys32Glu).